The following is an entry in ClinVar:

NM_001999.4(FBN2):c.1805G>T (p.Cys602Phe)

Gene: FBN2 (fibrillin 2; minus strand). Cytogenetic location: 5q23.3.
Variant type: single nucleotide variant.
Coding change: c.1805G>T on transcript NM_001999.4 (MANE Select); coding-DNA position 1805, G replaced by T.
Protein change: p.Cys602Phe; replaces cysteine 602 with phenylalanine.
Molecular consequence: missense variant.
Genome position (GRCh38, 1-based): chr5:128,377,796, C>A on the plus strand (G>T on the coding strand, the complement: FBN2 is on the minus strand). VCF-style: chr5-128377796-C-A. GRCh37 (hg19) VCF-style: chr5-127713489-C-A.
Other names: short protein forms C602F.
Identifiers: ClinVar variation 3647451 (VCV003647451.2).

ClinVar aggregate classification (germline): Uncertain significance (1 of 4 stars; one submission).

Conditions:
Congenital contractural arachnodactyly (CCA). Also called: BEALS SYNDROME; Arthrogryposis, distal, type 9; Beals-Hecht syndrome. Identifiers: Orphanet 115, MedGen C0220668, MONDO:0007363, OMIM 121050.

Submission:

Labcorp Genetics (formerly Invitae), Labcorp
Classification: Uncertain significance for Congenital contractural arachnodactyly. Last evaluated: 2024-03-24. Review status: criteria provided, single submitter. Criteria: Invitae Variant Classification Sherloc (09022015). Collection method: clinical testing. Allele origin: germline.
Comment: This sequence change replaces cysteine, which is neutral and slightly polar, with phenylalanine, which is neutral and non-polar, at codon 602 of the FBN2 protein (p.Cys602Phe). This variant is not present in population databases (gnomAD no frequency). This variant has not been reported in the literature in individuals affected with FBN2-related conditions. Advanced modeling of protein sequence and biophysical properties (such as structural, functional, and spatial information, amino acid conservation, physicochemical variation, residue mobility, and thermodynamic stability) performed at Invitae indicates that this missense variant is expected to disrupt FBN2 protein function with a positive predictive value of 80%. In summary, the available evidence is currently insufficient to determine the role of this variant in disease. Therefore, it has been classified as a Variant of Uncertain Significance.